The following is an entry in ClinVar:

NM_001378120.1(MBD5):c.379A>C (p.Ser127Arg)

Gene: MBD5 (methyl-CpG binding domain protein 5; plus strand). Cytogenetic location: 2q23.1.
Variant type: single nucleotide variant.
Coding change: c.379A>C on transcript NM_001378120.1 (MANE Select); coding-DNA position 379, A replaced by C.
Protein change: p.Ser127Arg; replaces serine 127 with arginine.
Molecular consequence: missense variant.
Genome position (GRCh38, 1-based): chr2:148,463,901, A>C. VCF-style: chr2-148463901-A-C. GRCh37 (hg19) VCF-style: chr2-149221470-A-C.
Other names: c.379A>C, p.Ser127Arg (NM_018328.5); short protein forms S127R.
Identifiers: ClinVar variation 1379371 (VCV001379371.8), dbSNP rs781432636, ClinGen allele CA1899862.

ClinVar aggregate classification (germline): Uncertain significance (1 of 4 stars; one submission).

Conditions:
Intellectual developmental disorder, autosomal dominant 1. Also called: Intellectual disability, autosomal dominant 1; MBD5 Haploinsufficiency. Identifiers: Orphanet 228402, MedGen C1969562, MONDO:0007974, OMIM 156200.

Allele frequency attached by ClinVar (database versions not stated): gnomAD exomes 0.00002 and 0.00001; ExAC 0.00002.
gnomAD v4.1: 4 of 1,613,608 alleles (0.00025%); highest among the groups gnomAD compares: Admixed American, 0.0067%; no homozygotes.

Submission:

Labcorp Genetics (formerly Invitae), Labcorp
Classification: Uncertain significance for Intellectual developmental disorder, autosomal dominant 1. Last evaluated: 2026-02-02. Review status: criteria provided, single submitter. Criteria: Invitae Variant Classification Sherloc (09022015). Collection method: clinical testing. Allele origin: germline.
Comment: This sequence change replaces serine, which is neutral and polar, with arginine, which is basic and polar, at codon 127 of the MBD5 protein (p.Ser127Arg). This variant is present in population databases (rs781432636, gnomAD 0.01%). This variant has not been reported in the literature in individuals affected with MBD5-related conditions. ClinVar contains an entry for this variant (Variation ID: 1379371). Invitae Evidence Modeling of protein sequence and biophysical properties (such as structural, functional, and spatial information, amino acid conservation, physicochemical variation, residue mobility, and thermodynamic stability) indicates that this missense variant is not expected to disrupt MBD5 protein function with a negative predictive value of 80%. In summary, the available evidence is currently insufficient to determine the role of this variant in disease. Therefore, it has been classified as a Variant of Uncertain Significance.